The following is an entry in ClinVar:

ClinVar aggregate classification (germline): Pathogenic (1 of 4 stars; one submission).

Conditions:
Immunodeficiency-centromeric instability-facial anomalies syndrome 2 (ICF2). Identifiers: Orphanet 2268, MedGen C3279748, MONDO:0013553, OMIM 614069.

Allele frequency attached by ClinVar (database versions not stated): gnomAD exomes below 0.00001 and 0.00001; gnomAD 0.00001; TOPMed 0.00002.
gnomAD v4.1: 18 of 1,613,888 alleles (0.0011%); highest among the groups gnomAD compares: East Asian, 0.0022%; no homozygotes.

Submission:

Labcorp Genetics (formerly Invitae), Labcorp
Classification: Pathogenic for Immunodeficiency-centromeric instability-facial anomalies syndrome 2. Last evaluated: 2023-11-14. Review status: criteria provided, single submitter. Criteria: Invitae Variant Classification Sherloc (09022015). Collection method: clinical testing. Allele origin: germline.
Comment: This sequence change creates a premature translational stop signal (p.Arg398*) in the ZBTB24 gene. It is expected to result in an absent or disrupted protein product. Loss-of-function variants in ZBTB24 are known to be pathogenic (PMID: 21596365). This variant is present in population databases (no rsID available, gnomAD 0.0009%). This variant has not been reported in the literature in individuals affected with ZBTB24-related conditions. ClinVar contains an entry for this variant (Variation ID: 650017). For these reasons, this variant has been classified as Pathogenic.

Literature cited by the submitters: PubMed 21596365.

NM_014797.3(ZBTB24):c.1192C>T (p.Arg398Ter)

Gene: ZBTB24 (zinc finger and BTB domain containing 24; minus strand). Cytogenetic location: 6q21.
Variant type: single nucleotide variant.
Coding change: c.1192C>T on transcript NM_014797.3 (MANE Select); coding-DNA position 1192, C replaced by T.
Protein change: p.Arg398Ter; replaces arginine 398 with a stop codon.
Molecular consequence: nonsense.
Genome position (GRCh38, 1-based): chr6:109,476,187, G>A on the plus strand (C>T on the coding strand, the complement: ZBTB24 is on the minus strand). VCF-style: chr6-109476187-G-A. GRCh37 (hg19) VCF-style: chr6-109797390-G-A.
Other names: short protein forms R398*.
Identifiers: ClinVar variation 650017 (VCV000650017.6), dbSNP rs867580676, ClinGen allele CA145107480.